The following is an entry in ClinVar:

NM_001080449.3(DNA2):c.1372A>G (p.Lys458Glu)

Gene: DNA2 (DNA replication helicase/nuclease 2; minus strand). Cytogenetic location: 10q21.3.
Variant type: single nucleotide variant.
Coding change: c.1372A>G on transcript NM_001080449.3 (MANE Select); coding-DNA position 1372, A replaced by G.
Protein change: p.Lys458Glu; replaces lysine 458 with glutamic acid.
Molecular consequence: missense variant. On other transcripts: non-coding transcript variant (1).
Genome position (GRCh38, 1-based): chr10:68,442,960, T>C on the plus strand (A>G on the coding strand, the complement: DNA2 is on the minus strand). VCF-style: chr10-68442960-T-C. GRCh37 (hg19) VCF-style: chr10-70202717-T-C.
Other names: short protein forms K458E.
Identifiers: ClinVar variation 1935248 (VCV001935248.5), dbSNP rs747969481, ClinGen allele CA5525092.
Genomic context (GRCh38, chr10:68,442,960, plus strand): 5'-CTAAATGGACCACTTACATTTCCGAAGCAGGCATTAGCCAGATATTTTGGTGATTCTTTT[T>C]ATTATCCTTCGATTGTGACTCCAGGGTTAACATTAGACACCAAAGGCTGAAATATTCTAA-3'
Protein context (NP_001073918.2, residues 448-468): LTLESQSKDN[Lys458Glu]KNHQNIWLMP

ClinVar aggregate classification (germline): Uncertain significance (1 of 4 stars; one submission).

Allele frequency attached by ClinVar (database versions not stated): gnomAD 0.00002; gnomAD exomes 0.00002; ExAC 0.00010.
gnomAD v4.1: 25 of 1,613,038 alleles (0.0015%); highest among the groups gnomAD compares: Middle Eastern, 0.017%; no homozygotes.

Submission:

Labcorp Genetics (formerly Invitae), Labcorp
Classification: Uncertain significance. Last evaluated: 2024-12-25. Review status: criteria provided, single submitter. Criteria: Invitae Variant Classification Sherloc (09022015). Collection method: clinical testing. Allele origin: germline.
Comment: This sequence change replaces lysine, which is basic and polar, with glutamic acid, which is acidic and polar, at codon 458 of the DNA2 protein (p.Lys458Glu). This variant is present in population databases (rs747969481, gnomAD 0.008%). This variant has not been reported in the literature in individuals affected with DNA2-related conditions. ClinVar contains an entry for this variant (Variation ID: 1935248). Invitae Evidence Modeling of protein sequence and biophysical properties (such as structural, functional, and spatial information, amino acid conservation, physicochemical variation, residue mobility, and thermodynamic stability) indicates that this missense variant is not expected to disrupt DNA2 protein function with a negative predictive value of 80%. In summary, the available evidence is currently insufficient to determine the role of this variant in disease. Therefore, it has been classified as a Variant of Uncertain Significance.